The following is an entry in ClinVar:

ClinVar aggregate classification (germline): Uncertain significance (1 of 4 stars; one submission).

Conditions:
Cardiovascular phenotype. Identifiers: MedGen CN230736.

Submission:

Ambry Genetics
Classification: Uncertain significance for Cardiovascular phenotype. Last evaluated: 2023-01-25. Review status: criteria provided, single submitter. Criteria: Ambry Variant Classification Scheme 2023. Collection method: clinical testing. Allele origin: germline.
Comment: The p.N3026H variant (also known as c.9076A>C), located in coding exon 26 of the APOB gene, results from an A to C substitution at nucleotide position 9076. The asparagine at codon 3026 is replaced by histidine, an amino acid with similar properties. This amino acid position is not well conserved in available vertebrate species, and histidine is the reference amino acid in other vertebrate species. In addition, this alteration is predicted to be tolerated by in silico analysis. Since supporting evidence is limited at this time, the clinical significance of this alteration remains unclear.

NM_000384.3(APOB):c.9076A>C (p.Asn3026His)

Gene: APOB (apolipoprotein B; minus strand). Cytogenetic location: 2p24.1.
Variant type: single nucleotide variant.
Coding change: c.9076A>C on transcript NM_000384.3 (MANE Select); coding-DNA position 9076, A replaced by C.
Protein change: p.Asn3026His; replaces asparagine 3026 with histidine.
Molecular consequence: missense variant.
Genome position (GRCh38, 1-based): chr2:21,007,792, T>G on the plus strand (A>C on the coding strand, the complement: APOB is on the minus strand). VCF-style: chr2-21007792-T-G. GRCh37 (hg19) VCF-style: chr2-21230664-T-G.
Other names: short protein forms N3026H.
Identifiers: ClinVar variation 1765685 (VCV001765685.3), dbSNP rs2465364119, ClinGen allele CA345992490.